The following is an entry in ClinVar:

ClinVar aggregate classification (germline): Likely benign. Review status: criteria provided, multiple submitters, no conflicts (2 of 4 stars). 8 submissions from 8 submitters: Likely benign (7). 1 of the submissions does not count toward it. Last evaluated 2026-05-12.

Conditions:
ANKRD11-related disorder. Also called: ANKRD11-related condition.
Inborn genetic diseases. Identifiers: MedGen C0950123, MeSH D030342.
KBG syndrome (KBGS). Also called: ANKRD11-Related KBG Syndrome. Identifiers: Orphanet 2332, MedGen C0220687, MONDO:0007846, OMIM 148050.

Allele frequency attached by ClinVar (database versions not stated): gnomAD 0.00014 and 0.00016; ExAC 0.00016; gnomAD exomes 0.00017 and 0.00032; TOPMed 0.00021.
gnomAD v4.1: 467 of 1,546,472 alleles (0.03%); highest among the groups gnomAD compares: Admixed American, 0.043%; no homozygotes.

Submissions (8):

Women's Health and Genetics/Laboratory Corporation of America, LabCorp
Classification: Likely benign. Last evaluated: 2026-05-12. Review status: criteria provided, single submitter. Criteria: LabCorp Variant Classification Summary - May 2015. Collection method: clinical testing. Allele origin: germline.

Labcorp Genetics (formerly Invitae), Labcorp
Classification: Likely benign for KBG syndrome. Last evaluated: 2026-01-05. Review status: criteria provided, single submitter. Criteria: Invitae Variant Classification Sherloc (09022015). Collection method: clinical testing. Allele origin: germline.

CeGaT Center for Human Genetics Tuebingen
Classification: Likely benign. Last evaluated: 2024-12-01. Review status: criteria provided, single submitter. Criteria: CeGaT Center For Human Genetics Tuebingen Variant Classification Criteria Version 2. Collection method: clinical testing. Allele origin: germline. Affected: yes. Observed: 1 variant allele.
Comment: ANKRD11: BP4

Blueprint Genetics
Classification: Likely benign. Last evaluated: 2024-10-28. Review status: criteria provided, single submitter. Criteria: ACMG Guidelines, 2015. Collection method: clinical testing. Allele origin: germline.

Ambry Genetics
Classification: Likely benign for Inborn genetic diseases. Last evaluated: 2022-07-07. Review status: criteria provided, single submitter. Criteria: Ambry Variant Classification Scheme 2023. Collection method: clinical testing. Allele origin: germline.

Athena Diagnostics
Classification: Likely benign. Last evaluated: 2020-12-15. Review status: criteria provided, single submitter. Criteria: Athena Diagnostics criteria. Collection method: clinical testing. Allele origin: unknown.

GeneDx
Classification: Likely benign. Last evaluated: 2020-11-20. Review status: criteria provided, single submitter. Criteria: GeneDx Variant Classification Process June 2021. Collection method: clinical testing. Allele origin: germline. Affected: yes.

PreventionGenetics, part of Exact Sciences
Classification: Likely benign for ANKRD11-related condition. Last evaluated: 2021-07-13. Review status: no assertion criteria provided. Collection method: clinical testing. Allele origin: germline. Not counted in ClinVar's aggregate classification.
Comment: This variant is classified as likely benign based on ACMG/AMP sequence variant interpretation guidelines (Richards et al. 2015 PMID: 25741868, with internal and published modifications).

NM_013275.6(ANKRD11):c.6712A>G (p.Ser2238Gly)

Gene: ANKRD11 (ankyrin repeat domain 11; minus strand). Cytogenetic location: 16q24.3.
Variant type: single nucleotide variant.
Coding change: c.6712A>G on transcript NM_013275.6 (MANE Select); coding-DNA position 6712, A replaced by G.
Protein change: p.Ser2238Gly; replaces serine 2238 with glycine.
Molecular consequence: missense variant.
Genome position (GRCh38, 1-based): chr16:89,279,830, T>C on the plus strand (A>G on the coding strand, the complement: ANKRD11 is on the minus strand). VCF-style: chr16-89279830-T-C. GRCh37 (hg19) VCF-style: chr16-89346238-T-C.
Other names: c.6712A>G, p.Ser2238Gly (NM_001256182.2, NM_001256183.2); short protein forms S2238G.
Identifiers: ClinVar variation 585422 (VCV000585422.67), dbSNP rs770209899, ClinGen allele CA8241359.
Genomic context (GRCh38, chr16:89,279,830, plus strand): 5'-CCCCCTGGTCTCCGCTCCCCAGTGGGCGCTGTTCTGGGGGAACGGGCGCGGGCTCCACGC[T>C]GGAGTCCGGATCCCCACGGGCCCTCTCTTCCGGCACCGTCTCCGCCTCCACCGCAGCTTC-3'
Protein context (NP_037407.4, residues 2228-2248): EERARGDPDS[Ser2238Gly]VEPAPVPPEQ